The following is an entry in ClinVar:

ClinVar aggregate classification (germline): Pathogenic (1 of 4 stars; one submission).

Submission:

Labcorp Genetics (formerly Invitae), Labcorp
Classification: Pathogenic. Last evaluated: 2023-11-02. Review status: criteria provided, single submitter. Criteria: Invitae Variant Classification Sherloc (09022015). Collection method: clinical testing. Allele origin: germline.
Comment: This sequence change creates a premature translational stop signal (p.Lys488*) in the CTNNA1 gene. It is expected to result in an absent or disrupted protein product. Loss-of-function variants in CTNNA1 are known to be pathogenic (PMID: 32051609, 34425242). This variant is not present in population databases (gnomAD no frequency). This variant has not been reported in the literature in individuals affected with CTNNA1-related conditions. ClinVar contains an entry for this variant (Variation ID: 1393445). Experimental studies and prediction algorithms are not available or were not evaluated, and the functional significance of this variant is currently unknown. For these reasons, this variant has been classified as Pathogenic.

Literature cited by the submitters: PubMed 32051609; PubMed 34425242.

NM_001903.5(CTNNA1):c.1461dup (p.Lys488Ter)

Gene: CTNNA1 (catenin alpha 1; plus strand). Cytogenetic location: 5q31.2.
Variant type: Duplication.
Coding change: c.1461dup on transcript NM_001903.5 (MANE Select); coding-DNA position 1461, one base duplicated (T; older notation c.1461dupT).
Protein change: p.Lys488Ter; replaces lysine 488 with a stop codon.
Molecular consequence: nonsense.
Genome position (GRCh38, 1-based): chr5:138,917,813, T duplicated; the last of 5 consecutive T bases (chr5:138,917,809-138,917,813); duplicating any one gives the same sequence. VCF-style (leftmost placement, unchanged base first): chr5-138917808-C-CT. GRCh37 (hg19) VCF-style: chr5-138253497-C-CT.
Other names: c.1461dup, p.Lys488Ter (NM_001290307.3, NM_001323982.2, NM_001323983.1 and 2 more transcripts); c.1152dup, p.Lys385Ter (NM_001290309.3); c.1092dup, p.Lys365Ter (NM_001290310.3); c.351dup, p.Lys118Ter (NM_001290312.1, NM_001323987.1, NM_001323988.1 and 17 more transcripts); c.1368dup, p.Lys457Ter (NM_001323986.2); c.12dup, p.Lys5Ter (NM_001324006.1, NM_001324007.1, NM_001324008.1 and 2 more transcripts); c.258dup, p.Lys87Ter (NM_001324011.1); c.108dup, p.Lys37Ter (NM_001324012.1, NM_001324013.1); short protein forms K118*, K385*, K457*, K488*, K365*, K37*, K5*, K87*.
Identifiers: ClinVar variation 1393445 (VCV001393445.6), dbSNP rs2150234200, ClinGen allele CA2573139147.